The following is an entry in ClinVar:

NM_020436.5(SALL4):c.713del (p.Gln238fs)

Gene: SALL4 (spalt like transcription factor 4; minus strand). Cytogenetic location: 20q13.2.
Variant type: Deletion.
Coding change: c.713del on transcript NM_020436.5 (MANE Select); coding-DNA position 713, one base deleted (A; older notation c.713delA).
Protein change: p.Gln238fs; shifts the reading frame from glutamine 238.
Molecular consequence: frameshift variant.
Genome position (GRCh38, 1-based): chr20:51,791,770, T deleted on the plus strand (A on the coding strand, the reverse complement: SALL4 is on the minus strand). VCF-style (leftmost placement, unchanged base first): chr20-51791769-CT-C. GRCh37 (hg19) VCF-style: chr20-50408308-CT-C.
Other names: c.713del, p.Gln238fs (NM_001318031.2); short protein forms Q238fs.
Identifiers: ClinVar variation 4292757 (VCV004292757.1).

ClinVar aggregate classification (germline): Likely pathogenic (1 of 4 stars; one submission).

Conditions:
SALL4-Related Disorders. Also called: SALL4-related condition; SALL4-related disorder. Identifiers: MedGen CN381056.

Submission:

3billion
Classification: Likely pathogenic for SALL4-related disorder. Last evaluated: 2024-12-09. Review status: criteria provided, single submitter. Criteria: ACMG Guidelines, 2015. Collection method: clinical testing. Allele origin: germline. Affected: yes.
Comment: The variant is not observed in the gnomAD v4.1.0 dataset. Predicted Consequence/Location: Frameshift: predicted to result in a loss or disruption of normal protein function through nonsense-mediated decay (NMD) or protein truncation. Multiple pathogenic variants are reported downstream of the variant. Therefore, this variant is classified as Likely pathogenic according to the recommendation of ACMG/AMP guideline.